The following is an entry in ClinVar:

ClinVar aggregate classification (germline): Pathogenic (1 of 4 stars; one submission).

Conditions:
Charcot-Marie-Tooth disease recessive intermediate C. Also called: CHARCOT-MARIE-TOOTH NEUROPATHY, RECESSIVE INTERMEDIATE C. Identifiers: Orphanet 369867, MedGen C3809309, MONDO:0014154, OMIM 615376.
Neuronopathy, distal hereditary motor, autosomal recessive 4. Also called: NEUROPATHY, DISTAL HEREDITARY MOTOR, AUTOSOMAL RECESSIVE 4; Autosomal recessive lower motor neuron disease with childhood onset. Identifiers: Orphanet 206580, MedGen C1970211, MONDO:0012608, OMIM 611067.

Submission:

Labcorp Genetics (formerly Invitae), Labcorp
Classification: Pathogenic for Neuronopathy, distal hereditary motor, autosomal recessive 4; Charcot-Marie-Tooth disease recessive intermediate C. Last evaluated: 2023-04-10. Review status: criteria provided, single submitter. Criteria: Invitae Variant Classification Sherloc (09022015). Collection method: clinical testing. Allele origin: germline.
Comment: For these reasons, this variant has been classified as Pathogenic. This variant has not been reported in the literature in individuals affected with PLEKHG5-related conditions. This variant is not present in population databases (gnomAD no frequency). This sequence change creates a premature translational stop signal (p.Gln14Thrfs*58) in the PLEKHG5 gene. It is expected to result in an absent or disrupted protein product. Loss-of-function variants in PLEKHG5 are known to be pathogenic (PMID: 17564964, 23777631).

Literature cited by the submitters: PubMed 17564964; PubMed 23777631.

NM_020631.6(PLEKHG5):c.38dup (p.Gln14fs)

Genes: PLEKHG5 (pleckstrin homology and RhoGEF domain containing G5; minus strand), LOC126805598 (MED14-independent group 3 enhancer GRCh37_chr1:6536823-6538022; plus strand). Cytogenetic location: 1p36.31.
Variant type: Duplication.
Coding change: c.38dup on transcript NM_020631.6 (MANE Select); coding-DNA position 38, one base duplicated (C; older notation c.38dupC).
Protein change: p.Gln14fs; shifts the reading frame from glutamine 14.
Molecular consequence: frameshift variant.
Genome position (GRCh38, 1-based): chr1:6,477,534, G duplicated on the plus strand (C on the coding strand, the reverse complement: PLEKHG5 is on the minus strand); the first of 5 consecutive G bases (chr1:6,477,534-6,477,538); duplicating any one gives the same sequence. VCF-style (leftmost placement, unchanged base first): chr1-6477533-T-TG. GRCh37 (hg19) VCF-style: chr1-6537593-T-TG.
Other names: c.149dup, p.Gln51fs (NM_001042663.3, NM_001265592.2); c.38dup, p.Gln14fs (NM_001042664.2, NM_001042665.2, NM_001265594.3 and 1 more transcripts); c.245dup, p.Gln83fs (NM_001265593.2); short protein forms Q83fs, Q14fs, Q51fs.
Identifiers: ClinVar variation 2946537 (VCV002946537.3), dbSNP rs397515454, ClinGen allele CA2642988584.